The following is an entry in ClinVar:

ClinVar aggregate classification (germline): Uncertain significance (1 of 4 stars; one submission).

Submission:

Ambry Genetics
Classification: Uncertain significance. Last evaluated: 2026-05-15. Review status: criteria provided, single submitter. Criteria: Ambry Variant Classification Scheme 2023. Collection method: clinical testing. Allele origin: germline.
Comment: The p.L1064F variant (also known as c.3190C>T), located in coding exon 1 of the MLH3 gene, results from a C to T substitution at nucleotide position 3190. The leucine at codon 1064 is replaced by phenylalanine, an amino acid with highly similar properties. This amino acid position is conserved. In addition, this alteration is predicted to be deleterious by in silico analysis. Based on the available evidence, the clinical significance of this variant remains unclear.

NM_001040108.2(MLH3):c.3190C>T (p.Leu1064Phe)

Gene: MLH3 (mutL homolog 3; minus strand). Cytogenetic location: 14q24.3.
Variant type: single nucleotide variant.
Coding change: c.3190C>T on transcript NM_001040108.2 (MANE Select); coding-DNA position 3190, C replaced by T.
Protein change: p.Leu1064Phe; replaces leucine 1064 with phenylalanine.
Molecular consequence: missense variant.
Genome position (GRCh38, 1-based): chr14:75,046,466, G>A on the plus strand (C>T on the coding strand, the complement: MLH3 is on the minus strand). VCF-style: chr14-75046466-G-A. GRCh37 (hg19) VCF-style: chr14-75513169-G-A.
Other names: c.3190C>T, p.Leu1064Phe (NM_014381.3); short protein forms L1064F.
Identifiers: ClinVar variation 4860146 (VCV004860146.1).